The following is an entry in ClinVar:

NM_000352.6(ABCC8):c.1998G>C (p.Leu666=)

Gene: ABCC8 (ATP binding cassette subfamily C member 8; minus strand). Cytogenetic location: 11p15.1.
Variant type: single nucleotide variant.
Coding change: c.1998G>C on transcript NM_000352.6 (MANE Select); coding-DNA position 1998, G replaced by C.
Protein change: p.Leu666=; no amino-acid change (leucine 666 retained).
Molecular consequence: synonymous variant. On other transcripts: non-coding transcript variant (1).
Genome position (GRCh38, 1-based): chr11:17,428,331, C>G on the plus strand (G>C on the coding strand, the complement: ABCC8 is on the minus strand). VCF-style: chr11-17428331-C-G. GRCh37 (hg19) VCF-style: chr11-17449878-C-G.
Other names: c.1998G>C, p.Leu666= (NM_001287174.3); c.2064G>C, p.Leu688= (NM_001351295.2); c.1995G>C, p.Leu665= (NM_001351296.2, NM_001351297.2).
Identifiers: ClinVar variation 751779 (VCV000751779.11), dbSNP rs1191652273, ClinGen allele CA473516114.

ClinVar aggregate classification (germline): Conflicting classifications of pathogenicity. Review status: criteria provided, conflicting classifications (1 of 4 stars). 4 submissions from 3 submitters: Uncertain significance (2); Likely benign (2). Last evaluated 2025-01-14.

Conditions:
Maturity-onset diabetes of the young (MODY). Also called: Maturity onset diabetes mellitus in young. Identifiers: Orphanet 552, MedGen C0342276, MONDO:0018911, HP:0004904.
Transitory neonatal diabetes mellitus. Also called: Transient neonatal diabetes mellitus. Identifiers: MedGen C0342273, MONDO:0020525, HP:0008255.

Allele frequency attached by ClinVar (database versions not stated): gnomAD exomes 0.00001; gnomAD 0.00002; TOPMed 0.00002.
gnomAD v4.1: 25 of 1,614,064 alleles (0.0015%); highest among the groups gnomAD compares: Non-Finnish European, 0.002%; no homozygotes.

Submissions (4):

Women's Health and Genetics/Laboratory Corporation of America, LabCorp
Classification: Likely benign. Last evaluated: 2025-01-14. Review status: criteria provided, single submitter. Criteria: LabCorp Variant Classification Summary - May 2015. Collection method: clinical testing. Allele origin: germline.

Labcorp Genetics (formerly Invitae), Labcorp
Classification: Likely benign. Last evaluated: 2023-09-11. Review status: criteria provided, single submitter. Criteria: Invitae Variant Classification Sherloc (09022015). Collection method: clinical testing. Allele origin: germline.

Clinical Genomics, Uppaluri K&H Personalized Medicine Clinic
Classification: Uncertain significance for Transitory neonatal diabetes mellitus. Review status: criteria provided, single submitter. Criteria: K & H Uppaluri Personalized Medicine Clinic Variant Classification & Assertion Criteria_Updated V.1. Collection method: research. Allele origin: unknown. Inheritance: Somatic mutation.
Comment: Mutations in ABCC8 gene are associated with both neonatal diabetes mellitus as well as MODY. Patients with this mutation may have a better response to sulfonylureas. However, no sufficient evidence is found to ascertain the role of this particular variant (rs1191652273) in neonatal diabetes yet.

Clinical Genomics, Uppaluri K&H Personalized Medicine Clinic
Classification: Uncertain significance for Maturity-onset diabetes of the young. Review status: criteria provided, single submitter. Criteria: K & H Uppaluri Personalized Medicine Clinic Variant Classification & Assertion Criteria_Updated V.1. Collection method: research. Allele origin: unknown. Inheritance: Somatic mutation.
Comment: Mutations in ABCC8 gene are associated with both neonatal diabetes mellitus as well as MODY. Patients with this mutation may have a better response to sulfonylureas. However, no sufficient evidence is found to ascertain the role of this particular variant (rs1191652273) in MODY yet.

Literature cited by the submitters: PubMed 16885549 (cited by Clinical Genomics, Uppaluri K&H Personalized Medicine Clinic); PubMed 21989597 (cited by Clinical Genomics, Uppaluri K&H Personalized Medicine Clinic); PubMed 27538677 (cited by Clinical Genomics, Uppaluri K&H Personalized Medicine Clinic); PubMed 18981553 (cited by Clinical Genomics, Uppaluri K&H Personalized Medicine Clinic); PubMed 32027066 (cited by Clinical Genomics, Uppaluri K&H Personalized Medicine Clinic); PubMed 16613899 (cited by Clinical Genomics, Uppaluri K&H Personalized Medicine Clinic); PubMed 18025408 (cited by Clinical Genomics, Uppaluri K&H Personalized Medicine Clinic); PubMed 32792356 (cited by Clinical Genomics, Uppaluri K&H Personalized Medicine Clinic).